The following is an entry in ClinVar:

ClinVar aggregate classification (germline): Uncertain significance (1 of 4 stars; one submission).

Conditions:
Congenital adrenal hyperplasia due to cytochrome P450 oxidoreductase deficiency. Also called: DISORDERED STEROIDOGENESIS DUE TO POR DEFICIENCY. Identifiers: Orphanet 95699, MedGen C1860042, MONDO:0013310, OMIM 613571.

Allele frequency attached by ClinVar (database versions not stated): TOPMed 0.00003; ExAC 0.00005; gnomAD 0.00008; 1000 Genomes Project 30x 0.00016; ESP Exome Variant Server 0.00016; 1000 Genomes Project 0.00020.
gnomAD v4.1: 107 of 1,598,878 alleles (0.0067%); highest among the groups gnomAD compares: Non-Finnish European, 0.0082%; no homozygotes.

Submission:

Labcorp Genetics (formerly Invitae), Labcorp
Classification: Uncertain significance for Congenital adrenal hyperplasia due to cytochrome P450 oxidoreductase deficiency. Last evaluated: 2022-09-12. Review status: criteria provided, single submitter. Criteria: Invitae Variant Classification Sherloc (09022015). Collection method: clinical testing. Allele origin: germline.
Comment: This sequence change replaces arginine, which is basic and polar, with histidine, which is basic and polar, at codon 453 of the POR protein (p.Arg453His). This variant is present in population databases (rs375535318, gnomAD 0.008%). This missense change has been observed in individual(s) with single suture craniosynostosis (PMID: 29168297). Advanced modeling of protein sequence and biophysical properties (such as structural, functional, and spatial information, amino acid conservation, physicochemical variation, residue mobility, and thermodynamic stability) performed at Invitae indicates that this missense variant is not expected to disrupt POR protein function. In summary, the available evidence is currently insufficient to determine the role of this variant in disease. Therefore, it has been classified as a Variant of Uncertain Significance.

Literature cited by the submitters: PubMed 29168297.

NM_001395413.1(POR):c.1349G>A (p.Arg450His)

Gene: POR (cytochrome p450 oxidoreductase; plus strand). Cytogenetic location: 7q11.23.
Variant type: single nucleotide variant.
Coding change: c.1349G>A on transcript NM_001395413.1 (MANE Select); coding-DNA position 1349, G replaced by A.
Protein change: p.Arg450His; replaces arginine 450 with histidine.
Molecular consequence: missense variant. On other transcripts: intron variant (1).
Genome position (GRCh38, 1-based): chr7:75,985,167, G>A. VCF-style: chr7-75985167-G-A. GRCh37 (hg19) VCF-style: chr7-75614485-G-A.
Other names: c.1358G>A, p.Arg453His (NM_000941.3); c.1349G>A, p.Arg450His (NM_001367562.3, NM_001382657.2, NM_001382658.3 and 1 more transcripts); c.1403G>A, p.Arg468His (NM_001382655.3); c.1239+209G>A (NM_001382662.3); short protein forms R453H, R450H, R468H.
Identifiers: ClinVar variation 2175964 (VCV002175964.1), dbSNP rs375535318, ClinGen allele CA4304092.
Genomic context (GRCh38, chr7:75,985,167, plus strand): 5'-TCCTGCAGGACTGCCCGTCCCTGCGGCCCCCCATCGACCACCTGTGTGAGCTGCTGCCGC[G>A]CCTGCAGGCCCGCTACTACTCCATCGCCTCATCCTCCAAGGTGAGGGCCGGCACTGCCCT-3'
Protein context (NP_001382342.1, residues 440-460): PIDHLCELLP[Arg450His]LQARYYSIAS